The following is an entry in ClinVar:

ClinVar aggregate classification (germline): Likely benign (0 of 4 stars; one submission).

Conditions:
SOX1-related disorder. Also called: SOX1-related condition.

Submission:

PreventionGenetics, part of Exact Sciences
Classification: Likely benign for SOX1-related condition. Last evaluated: 2024-01-03. Review status: no assertion criteria provided. Collection method: clinical testing. Allele origin: germline.
Comment: This variant is classified as likely benign based on ACMG/AMP sequence variant interpretation guidelines (Richards et al. 2015 PMID: 25741868, with internal and published modifications).

NM_005986.3(SOX1):c.891GGC[7] (p.Ala306del)

Genes: SOX1 (SRY-box transcription factor 1; plus strand), SOX1-OT (SOX1 overlapping transcript; plus strand). Cytogenetic location: 13q34.
Variant type: Microsatellite.
Coding change: c.891GGC[7] on transcript NM_005986.3 (MANE Select); seven copies in a row of the 3-base unit GGC starting at c.891; the reference has eight copies in a row; one copy, 3 bases deleted.
Protein change: p.Ala306del; deletes alanine 306.
Genome position (GRCh38, 1-based): chr13:112,068,570-112,068,572, GGC deleted; deleting any 3 consecutive bases within chr13:112,068,549-112,068,572 gives the same sequence; the position shown is the placement nearest the transcript's 3' end. VCF-style (leftmost placement, unchanged base first): chr13-112068548-TGGC-T. GRCh37 (hg19) VCF-style: chr13-112722862-TGGC-T.
Other names: short protein forms A306del.
Identifiers: ClinVar variation 3038033 (VCV003038033.2), dbSNP rs931866282, ClinGen allele CA484985663.